The following is an entry in ClinVar:

NM_000179.3(MSH6):c.930T>G (p.Leu310=)

Gene: MSH6 (mutS homolog 6; plus strand). Cytogenetic location: 2p16.3.
Variant type: single nucleotide variant.
Coding change: c.930T>G on transcript NM_000179.3 (MANE Select); coding-DNA position 930, T replaced by G.
Protein change: p.Leu310=; no amino-acid change (leucine 310 retained).
Molecular consequence: synonymous variant.
Genome position (GRCh38, 1-based): chr2:47,798,913, T>G. VCF-style: chr2-47798913-T-G. GRCh37 (hg19) VCF-style: chr2-48026052-T-G.
Other names: c.540T>G, p.Leu180= (NM_001281492.2); c.24T>G, p.Leu8= (NM_001281493.2, NM_001281494.2).
Identifiers: ClinVar variation 455358 (VCV000455358.20), dbSNP rs1456412042, ClinGen allele CA426121059.
Genomic context (GRCh38, chr2:47,798,913, plus strand): 5'-GAACAGCCCTGTCAAAGTTGCTCGAAAGCGGAAGAGAATGGTGACTGGAAATGGCTCTCT[T>G]AAAAGGAAAAGCTCTAGGAAGGAAACGCCCTCAGCCACCAAACAAGCAACTAGCATTTCA-3'
Protein context (NP_000170.1, residues 300-320): RKRMVTGNGS[Leu310=]KRKSSRKETP

ClinVar aggregate classification (germline): Benign/Likely benign. Review status: criteria provided, multiple submitters, no conflicts (2 of 4 stars). 5 submissions from 5 submitters: Benign (1); Likely benign (4). Last evaluated 2025-09-05.

Conditions:
Hereditary nonpolyposis colorectal neoplasms. Identifiers: MedGen C0009405, MeSH D003123.
Hereditary cancer-predisposing syndrome. Also called: Hereditary Cancer Syndrome; Hereditary neoplastic syndrome; Neoplastic Syndromes, Hereditary; Tumor predisposition. Identifiers: Orphanet 140162, MedGen C0027672, MeSH D009386, MONDO:0015356.
Lynch syndrome 5 (LYNCH5). Also called: Hereditary non-polyposis colorectal cancer, type 5; Colorectal cancer, hereditary nonpolyposis, type 5. Identifiers: Orphanet 144, MedGen C1833477, MONDO:0013710, OMIM 614350. Disease mechanism: loss of function.

Allele frequency attached by ClinVar (database versions not stated): gnomAD 0.00001; gnomAD exomes 0.00001.
gnomAD v4.1: 11 of 1,613,940 alleles (0.00068%); highest among the groups gnomAD compares: Non-Finnish European, 0.00017%; no homozygotes.

Submissions (5):

Labcorp Genetics (formerly Invitae), Labcorp
Classification: Likely benign for Hereditary nonpolyposis colorectal neoplasms. Last evaluated: 2025-09-05. Review status: criteria provided, single submitter. Criteria: Invitae Variant Classification Sherloc (09022015). Collection method: clinical testing. Allele origin: germline.

Myriad Genetics, Inc.
Classification: Benign for Lynch syndrome 5. Last evaluated: 2024-12-20. Review status: criteria provided, single submitter. Criteria: Myriad Autosomal Dominant, Autosomal Recessive and X-Linked Classification Criteria (2023). Collection method: clinical testing. Allele origin: unknown.
Comment: This variant is considered benign. This variant is a silent/synonymous amino acid change and it is not expected to impact splicing.

GeneDx
Classification: Likely benign. Last evaluated: 2019-12-20. Review status: criteria provided, single submitter. Criteria: GeneDx Variant Classification Process June 2021. Collection method: clinical testing. Allele origin: germline. Affected: yes.

Ambry Genetics
Classification: Likely benign for Hereditary cancer-predisposing syndrome. Last evaluated: 2019-12-19. Review status: criteria provided, single submitter. Criteria: Ambry Variant Classification Scheme 2023. Collection method: clinical testing. Allele origin: germline.

Color Diagnostics, LLC DBA Color Health
Classification: Likely benign for Hereditary cancer-predisposing syndrome. Last evaluated: 2017-09-24. Review status: criteria provided, single submitter. Criteria: ACMG Guidelines, 2015. Collection method: clinical testing. Allele origin: germline.